The following is an entry in ClinVar:

ClinVar aggregate classification (germline): Benign/Likely benign. Review status: criteria provided, multiple submitters, no conflicts (2 of 4 stars). 4 submissions from 4 submitters: Benign (1); Likely benign (2). 1 of the submissions does not count toward it. Last evaluated 2026-05-05.

Conditions:
Colorectal cancer, hereditary nonpolyposis, type 7. Identifiers: Orphanet 144, MedGen C1858380, MONDO:0013725, OMIM 614385.
MLH3-related disorder. Also called: MLH3-related condition.

Allele frequency attached by ClinVar (database versions not stated): ExAC 0.00002; gnomAD exomes 0.00002.
gnomAD v4.1: 41 of 1,614,068 alleles (0.0025%); highest among the groups gnomAD compares: African/African-American, 0.036%; no homozygotes.

Submissions (4):

Myriad Genetics, Inc.
Classification: Benign for Colorectal cancer, hereditary nonpolyposis, type 7. Last evaluated: 2026-05-05. Review status: criteria provided, single submitter. Criteria: Myriad Autosomal Dominant, Autosomal Recessive and X-Linked Classification Criteria (2023). Collection method: clinical testing. Allele origin: unknown.
Comment: This variant is considered benign. This variant is a silent/synonymous amino acid change and it is not expected to impact splicing.

Labcorp Genetics (formerly Invitae), Labcorp
Classification: Likely benign for Colorectal cancer, hereditary nonpolyposis, type 7. Last evaluated: 2025-07-30. Review status: criteria provided, single submitter. Criteria: Invitae Variant Classification Sherloc (09022015). Collection method: clinical testing. Allele origin: germline.

Ambry Genetics
Classification: Likely benign. Last evaluated: 2020-09-16. Review status: criteria provided, single submitter. Criteria: Ambry Variant Classification Scheme 2023. Collection method: clinical testing. Allele origin: germline.

PreventionGenetics, part of Exact Sciences
Classification: Likely benign for MLH3-related condition. Last evaluated: 2022-06-03. Review status: no assertion criteria provided. Collection method: clinical testing. Allele origin: germline. Not counted in ClinVar's aggregate classification.
Comment: This variant is classified as likely benign based on ACMG/AMP sequence variant interpretation guidelines (Richards et al. 2015 PMID: 25741868, with internal and published modifications).

NM_001040108.2(MLH3):c.3117G>A (p.Thr1039=)

Gene: MLH3 (mutL homolog 3; minus strand). Cytogenetic location: 14q24.3.
Variant type: single nucleotide variant.
Coding change: c.3117G>A on transcript NM_001040108.2 (MANE Select); coding-DNA position 3117, G replaced by A.
Protein change: p.Thr1039=; no amino-acid change (threonine 1039 retained).
Molecular consequence: synonymous variant.
Genome position (GRCh38, 1-based): chr14:75,046,539, C>T on the plus strand (G>A on the coding strand, the complement: MLH3 is on the minus strand). VCF-style: chr14-75046539-C-T. GRCh37 (hg19) VCF-style: chr14-75513242-C-T.
Other names: c.3117G>A, p.Thr1039= (NM_014381.3).
Identifiers: ClinVar variation 1147830 (VCV001147830.14), dbSNP rs752980464, ClinGen allele CA7275587.